The following is an entry in ClinVar:

NM_003597.5(KLF11):c.*1423T>C

Gene: KLF11 (KLF transcription factor 11; plus strand). Cytogenetic location: 2p25.1.
Variant type: single nucleotide variant.
Coding change: c.*1423T>C on transcript NM_003597.5 (MANE Select); 1423 bases downstream of the stop codon, T replaced by C.
Molecular consequence: 3 prime UTR variant.
Genome position (GRCh38, 1-based): chr2:10,053,930, T>C. VCF-style: chr2-10053930-T-C. GRCh37 (hg19) VCF-style: chr2-10194057-T-C.
Other names: c.*1423T>C (NM_001177716.2, NM_001177718.2).
Identifiers: ClinVar variation 330667 (VCV000330667.5), dbSNP rs571234569, ClinGen allele CA10611810.

ClinVar aggregate classification (germline): Benign (1 of 4 stars; one submission).

Conditions:
Maturity-onset diabetes of the young type 7 (MODY7). Identifiers: Orphanet 552, MedGen C1864839, MONDO:0012513, OMIM 610508.

Allele frequency attached by ClinVar (database versions not stated): gnomAD below 0.00001 and 0.00062; TOPMed 0.00009; 1000 Genomes Project 30x 0.00219; 1000 Genomes Project 0.00220.

Submission:

Illumina Laboratory Services, Illumina
Classification: Benign for Maturity-onset diabetes of the young type 7. Last evaluated: 2018-01-12. Review status: criteria provided, single submitter. Criteria: ICSL Variant Classification Criteria 13 December 2019. Collection method: clinical testing. Allele origin: germline.
Comment: This variant was observed in the ICSL laboratory as part of a predisposition screen in an ostensibly healthy population. It had not been previously curated by ICSL or reported in the Human Gene Mutation Database (HGMD: prior to June 1st, 2018), and was therefore a candidate for classification through an automated scoring system. Utilizing variant allele frequency, disease prevalence and penetrance estimates, and inheritance mode, an automated score was calculated to assess if this variant is too frequent to cause the disease. Based on the score and internal cut-off values, a variant classified as benign is not then subjected to further curation. The score for this variant resulted in a classification of benign for this disease.